The following is an entry in ClinVar:

NM_001283009.2(RTEL1):c.3422C>A (p.Pro1141Gln)

Genes: RTEL1 (regulator of telomere elongation helicase 1; plus strand), RTEL1-TNFRSF6B (RTEL1-TNFRSF6B readthrough (NMD candidate); plus strand). Cytogenetic location: 20q13.33.
Variant type: single nucleotide variant.
Coding change: c.3422C>A on transcript NM_001283009.2 (MANE Select); coding-DNA position 3422, C replaced by A.
Protein change: p.Pro1141Gln; replaces proline 1141 with glutamine.
Molecular consequence: missense variant. On other transcripts: non-coding transcript variant (1).
Genome position (GRCh38, 1-based): chr20:63,695,144, C>A. VCF-style: chr20-63695144-C-A. GRCh37 (hg19) VCF-style: chr20-62326497-C-A.
Other names: c.2753C>A, p.Pro918Gln (NM_001283010.1); c.3422C>A, p.Pro1141Gln (NM_016434.4); c.3494C>A, p.Pro1165Gln (NM_032957.5); short protein forms P1141Q, P1165Q, P918Q.
Identifiers: ClinVar variation 4863582 (VCV004863582.1).

ClinVar aggregate classification (germline): Uncertain significance (1 of 4 stars; one submission).

Conditions:
Inborn genetic diseases. Identifiers: MedGen C0950123, MeSH D030342.

Submission:

Ambry Genetics
Classification: Uncertain significance for Inborn genetic diseases. Last evaluated: 2026-05-04. Review status: criteria provided, single submitter. Criteria: Ambry Variant Classification Scheme 2023. Collection method: clinical testing. Allele origin: germline.
Comment: The p.P1141Q variant (also known as c.3422C>A), located in coding exon 32 of the RTEL1 gene, results from a C to A substitution at nucleotide position 3422. The proline at codon 1141 is replaced by glutamine, an amino acid with similar properties. This amino acid position is conserved. In addition, this alteration is predicted to be tolerated by in silico analysis. Based on the available evidence, the clinical significance of this variant remains unclear.